The following is an entry in ClinVar:

ClinVar aggregate classification (germline): Pathogenic/Likely pathogenic. Review status: criteria provided, multiple submitters, no conflicts (2 of 4 stars). 4 submissions from 4 submitters: Pathogenic (1); Likely pathogenic (3). Last evaluated 2024-04-17.

Conditions:
Bardet-Biedl syndrome (BBS). Identifiers: Orphanet 110, MedGen C0752166, MONDO:0015229.
McKusick-Kaufman syndrome (MKKS). Also called: HYDROMETROCOLPOS SYNDROME; HYDROMETROCOLPOS, POSTAXIAL POLYDACTYLY, AND CONGENITAL HEART MALFORMATION. Identifiers: Orphanet 2473, MedGen C0948368, MONDO:0009367, OMIM 236700.
Bardet-Biedl syndrome 6 (BBS6). Identifiers: Orphanet 110, MedGen C1858054, MONDO:0011523, OMIM 605231.

Submissions (4):

Fulgent Genetics
Classification: Likely pathogenic for McKusick-Kaufman syndrome; Bardet-Biedl syndrome 6. Last evaluated: 2024-04-17. Review status: criteria provided, single submitter. Criteria: ACMG Guidelines, 2015. Collection method: clinical testing. Allele origin: germline.

Baylor Genetics
Classification: Likely pathogenic for Bardet-Biedl syndrome 6. Last evaluated: 2024-03-12. Review status: criteria provided, single submitter. Criteria: ACMG Guidelines, 2015. Collection method: clinical testing. Allele origin: unknown.

Labcorp Genetics (formerly Invitae), Labcorp
Classification: Pathogenic for McKusick-Kaufman syndrome; Bardet-Biedl syndrome. Last evaluated: 2022-08-23. Review status: criteria provided, single submitter. Criteria: Invitae Variant Classification Sherloc (09022015). Collection method: clinical testing. Allele origin: germline.
Comment: This variant has not been reported in the literature in individuals affected with MKKS-related conditions. For these reasons, this variant has been classified as Pathogenic. ClinVar contains an entry for this variant (Variation ID: 1074439). This variant is present in population databases (rs754066841, gnomAD 0.003%). This sequence change creates a premature translational stop signal (p.Arg21Serfs*21) in the MKKS gene. It is expected to result in an absent or disrupted protein product. Loss-of-function variants in MKKS are known to be pathogenic (PMID: 11179009, 28761321, 30614526).

Neuberg Centre For Genomic Medicine, NCGM
Classification: Likely pathogenic for Bardet-Biedl syndrome 6. Review status: criteria provided, single submitter. Criteria: ACMG Guidelines, 2015. Collection method: clinical testing. Allele origin: germline. Inheritance: Autosomal recessive inheritance. Affected: yes.
Comment: The frame shift variant c.63_64del in MKKS has been submitted to ClinVar as Pathogenic, but no details are available for independent assessment. The p.Arg21SerfsTer21 variant is novel (not in any individuals) in 1000 Genomes and has allele frequency of 0.0003985% in gnomAD database. This variant causes a frameshift starting with codon Arginine 21, changes this amino acid to Serine residue, and creates a premature stop codon at position 21 of the new reading frame, denoted p.Arg21SerfsTer21. This variant is predicted to cause loss of normal protein function through protein truncation. Loss of function variants have been previously reported to be disease causing. For these reasons, this variant has been classified as Likely Pathogenic.

Literature cited by the submitters: PubMed 11179009 (cited by Labcorp Genetics (formerly Invitae), Labcorp); PubMed 28761321 (cited by Labcorp Genetics (formerly Invitae), Labcorp); PubMed 30614526 (cited by Labcorp Genetics (formerly Invitae), Labcorp).

NM_170784.3(MKKS):c.63_64del (p.Arg21fs)

Gene: MKKS (MKKS centrosomal shuttling protein; minus strand). Cytogenetic location: 20p12.2.
Variant type: Microsatellite.
Coding change: c.63_64del on transcript NM_170784.3 (MANE Select); coding-DNA positions 63 to 64, 2 bases deleted (AG; older notation c.63_64delAG).
Protein change: p.Arg21fs; shifts the reading frame from arginine 21.
Molecular consequence: frameshift variant.
Genome position (GRCh38, 1-based): chr20:10,413,451-10,413,452, CT deleted on the plus strand (AG on the coding strand, the reverse complement: MKKS is on the minus strand); deleting any 2 consecutive bases within chr20:10,413,451-10,413,457 gives the same sequence; the c. name uses the placement nearest the transcript's 3' end. VCF-style (leftmost placement, unchanged base first): chr20-10413450-ACT-A. GRCh37 (hg19) VCF-style: chr20-10394098-ACT-A.
Other names: c.63_64del, p.Arg21fs (NM_018848.3); short protein forms R21fs.
Identifiers: ClinVar variation 1074439 (VCV001074439.12), dbSNP rs754066841, ClinGen allele CA9763750.
Genomic context (GRCh38, chr20:10,413,450, plus strand): 5'-CTACCTGAGGGGCCATAGCATGATGTTACAATTCTTTTCAAGACAGAAAGTGTGGTCCTG[ACT>A]CTCTCAGTTGTCAGTGGTTCACTCTTACACAATGATGGCTTCTTAGCTTCCAAACGAGAC-3'